The following is an entry in ClinVar:

NM_000419.5(ITGA2B):c.847+5G>C

Gene: ITGA2B (integrin subunit alpha 2b; minus strand). Cytogenetic location: 17q21.31.
Variant type: single nucleotide variant.
Coding change: c.847+5G>C on transcript NM_000419.5 (MANE Select); 5 bases into the intron after coding-DNA position 847, G replaced by C.
Molecular consequence: intron variant.
Genome position (GRCh38, 1-based): chr17:44,384,533, C>G on the plus strand (G>C on the coding strand, the complement: ITGA2B is on the minus strand). VCF-style: chr17-44384533-C-G. GRCh37 (hg19) VCF-style: chr17-42461901-C-G.
Identifiers: ClinVar variation 3252316 (VCV003252316.5), dbSNP rs962643819.

ClinVar aggregate classification (germline): Uncertain significance. Review status: criteria provided, multiple submitters, no conflicts (2 of 4 stars). 2 submissions from 2 submitters: Uncertain significance (2). Last evaluated 2026-01-01.

Allele frequency attached by ClinVar (database versions not stated): gnomAD exomes 0.00001.
gnomAD v4.1: 4 of 1,614,088 alleles (0.00025%); highest among the groups gnomAD compares: Non-Finnish European, 0.00034%; no homozygotes.

Submissions (2):

CeGaT Center for Human Genetics Tuebingen
Classification: Uncertain significance. Last evaluated: 2026-01-01. Review status: criteria provided, single submitter. Criteria: CeGaT Center For Human Genetics Tuebingen Variant Classification Criteria Version 2. Collection method: clinical testing. Allele origin: germline. Affected: yes. Observed: 1 variant allele.
Comment: ITGA2B: PM2, PM3:Supporting, PP3

GeneDx
Classification: Uncertain significance. Last evaluated: 2023-10-05. Review status: criteria provided, single submitter. Criteria: GeneDx Variant Classification Process June 2021. Collection method: clinical testing. Allele origin: germline. Affected: yes.
Comment: Has not been previously published as pathogenic or benign to our knowledge; Intronic +5 splice site variant in a gene for which loss of function is a known mechanism of disease, and both splice predictors and evolutionary conservation support a deleterious effect, although in the absence of functional evidence the actual effect of this sequence change is unknown; Not observed at significant frequency in large population cohorts (gnomAD)